The following is an entry in ClinVar:

ClinVar aggregate classification (germline): Conflicting classifications of pathogenicity. Review status: criteria provided, conflicting classifications (1 of 4 stars). 2 submissions from 2 submitters: Uncertain significance (1); Likely benign (1). Last evaluated 2025-11-19.

Conditions:
EGFR-related lung cancer (EGFR). Identifiers: MedGen CN130014.
Hereditary cancer-predisposing syndrome. Also called: Hereditary Cancer Syndrome; Neoplastic Syndromes, Hereditary; Tumor predisposition; Hereditary neoplastic syndrome. Identifiers: Orphanet 140162, MedGen C0027672, MeSH D009386, MONDO:0015356.

Allele frequency attached by ClinVar (database versions not stated): gnomAD exomes below 0.00001.
gnomAD v4.1: 2 of 1,614,152 alleles (0.00012%); highest among the groups gnomAD compares: Non-Finnish European, 0.00017%; no homozygotes.

Submissions (2):

Ambry Genetics
Classification: Uncertain significance for Hereditary cancer-predisposing syndrome. Last evaluated: 2025-11-19. Review status: criteria provided, single submitter. Criteria: Ambry Variant Classification Scheme 2023. Collection method: clinical testing. Allele origin: germline.
Comment: The c.2649G>A variant (also known as p.L883L), located in coding exon 22 of the EGFR gene, results from a G to A substitution at nucleotide position 2649. This nucleotide substitution does not change the leucine at codon 883. This nucleotide position is not well conserved in available vertebrate species. In silico splice site analysis predicts that this alteration may weaken the native splice acceptor site. Based on the available evidence, the clinical significance of this variant remains unclear.

Labcorp Genetics (formerly Invitae), Labcorp
Classification: Likely benign for EGFR-related lung cancer. Last evaluated: 2021-03-18. Review status: criteria provided, single submitter. Criteria: Invitae Variant Classification Sherloc (09022015). Collection method: clinical testing. Allele origin: germline.

NM_005228.5(EGFR):c.2649G>A (p.Leu883=)

Gene: EGFR (epidermal growth factor receptor; plus strand). Cytogenetic location: 7p11.2.
Variant type: single nucleotide variant.
Coding change: c.2649G>A on transcript NM_005228.5 (MANE Select); coding-DNA position 2649, G replaced by A.
Protein change: p.Leu883=; no amino-acid change (leucine 883 retained).
Molecular consequence: synonymous variant.
Genome position (GRCh38, 1-based): chr7:55,192,789, G>A. VCF-style: chr7-55192789-G-A. GRCh37 (hg19) VCF-style: chr7-55260482-G-A.
Other names: c.2514G>A, p.Leu838= (NM_001346897.2, NM_001346899.2); c.2649G>A, p.Leu883= (NM_001346898.2); c.2490G>A, p.Leu830= (NM_001346900.2); c.1848G>A, p.Leu616= (NM_001346941.2); c.2649G>A (NM_005228.3).
Identifiers: ClinVar variation 1640110 (VCV001640110.9), dbSNP rs2128965514, ClinGen allele CA454965706.